The following is an entry in ClinVar:

NM_000095.3(COMP):c.1579A>G (p.Thr527Ala)

Gene: COMP (cartilage oligomeric matrix protein; minus strand). Cytogenetic location: 19p13.11.
Variant type: single nucleotide variant.
Coding change: c.1579A>G on transcript NM_000095.3 (MANE Select); coding-DNA position 1579, A replaced by G.
Protein change: p.Thr527Ala; replaces threonine 527 with alanine.
Molecular consequence: missense variant.
Genome position (GRCh38, 1-based): chr19:18,785,762, T>C on the plus strand (A>G on the coding strand, the complement: COMP is on the minus strand). VCF-style: chr19-18785762-T-C. GRCh37 (hg19) VCF-style: chr19-18896572-T-C.
Other names: short protein forms T527A.
Identifiers: ClinVar variation 1498106 (VCV001498106.6), dbSNP rs312262902, ClinGen allele CA306254661.
Genomic context (GRCh38, chr19:18,785,762, plus strand): 5'-TCTGCGCGTCACCCTCCGGGTCCAGCACGACTGTCTGGAAGGCCCTGAAGTCGGTGAGCG[T>C]GACTTCAGCGTTCTCCGGACACACGTCGATCTTGTCTACCACCTTGTCTGCATCAAAGTC-3'
Protein context (NP_000086.2, residues 517-537): IDVCPENAEV[Thr527Ala]LTDFRAFQTV

ClinVar aggregate classification (germline): Likely pathogenic (1 of 4 stars; one submission).

Submission:

Labcorp Genetics (formerly Invitae), Labcorp
Classification: Likely pathogenic. Last evaluated: 2022-08-09. Review status: criteria provided, single submitter. Criteria: Invitae Variant Classification Sherloc (09022015). Collection method: clinical testing. Allele origin: germline.
Comment: This missense change has been observed in individuals with clinical features of pseudoachondroplasia (PMID: 9749943; Invitae). This variant is not present in population databases (gnomAD no frequency). This sequence change replaces threonine, which is neutral and polar, with alanine, which is neutral and non-polar, at codon 527 of the COMP protein (p.Thr527Ala). ClinVar contains an entry for this variant (Variation ID: 1498106). In summary, the currently available evidence indicates that the variant is pathogenic, but additional data are needed to prove that conclusively. Therefore, this variant has been classified as Likely Pathogenic. Advanced modeling of protein sequence and biophysical properties (such as structural, functional, and spatial information, amino acid conservation, physicochemical variation, residue mobility, and thermodynamic stability) performed at Invitae indicates that this missense variant is expected to disrupt COMP protein function.

Literature cited by the submitters: PubMed 9749943.